The following is an entry in ClinVar:

ClinVar aggregate classification (germline): Uncertain significance (1 of 4 stars; one submission).

Conditions:
Charcot-Marie-Tooth disease dominant intermediate B (CMTDIB). Also called: CHARCOT-MARIE-TOOTH NEUROPATHY, DOMINANT INTERMEDIATE B; Charcot-Marie-Tooth disease dominant intermediate 1; CMT DI1; Charcot-Marie-Tooth disease dominant intermediate I. Identifiers: Orphanet 100044, Orphanet 228179, MedGen C1847902, MONDO:0011674, OMIM 606482.

Allele frequency attached by ClinVar (database versions not stated): gnomAD exomes below 0.00001 and 0.00001; ExAC 0.00002; ESP Exome Variant Server 0.00008.
gnomAD v4.1: 5 of 1,613,490 alleles (0.00031%); highest among the groups gnomAD compares: South Asian, 0.0011%; no homozygotes.

Submission:

Labcorp Genetics (formerly Invitae), Labcorp
Classification: Uncertain significance for Charcot-Marie-Tooth disease dominant intermediate B. Last evaluated: 2025-08-11. Review status: criteria provided, single submitter. Criteria: Invitae Variant Classification Sherloc (09022015). Collection method: clinical testing. Allele origin: germline.
Comment: This sequence change replaces arginine, which is basic and polar, with cysteine, which is neutral and slightly polar, at codon 271 of the DNM2 protein (p.Arg271Cys). This variant is present in population databases (rs138128705, gnomAD 0.002%). This variant has not been reported in the literature in individuals affected with DNM2-related conditions. ClinVar contains an entry for this variant (Variation ID: 570727). Invitae Evidence Modeling of protein sequence and biophysical properties (such as structural, functional, and spatial information, amino acid conservation, physicochemical variation, residue mobility, and thermodynamic stability) has been performed for this missense variant. However, the output from this modeling did not meet the statistical confidence thresholds required to predict the impact of this variant on DNM2 protein function. In summary, the available evidence is currently insufficient to determine the role of this variant in disease. Therefore, it has been classified as a Variant of Uncertain Significance.

NM_001005361.3(DNM2):c.811C>T (p.Arg271Cys)

Gene: DNM2 (dynamin 2; plus strand). Cytogenetic location: 19p13.2.
Variant type: single nucleotide variant.
Coding change: c.811C>T on transcript NM_001005361.3 (MANE Select); coding-DNA position 811, C replaced by T.
Protein change: p.Arg271Cys; replaces arginine 271 with cysteine.
Molecular consequence: missense variant.
Genome position (GRCh38, 1-based): chr19:10,783,082, C>T. VCF-style: chr19-10783082-C-T. GRCh37 (hg19) VCF-style: chr19-10893758-C-T.
Other names: c.811C>T, p.Arg271Cys (NM_001005360.3, NM_001005362.3, NM_001190716.2 and 1 more transcripts); short protein forms R271C.
Identifiers: ClinVar variation 570727 (VCV000570727.10), dbSNP rs138128705, ClinGen allele CA9200893.